The following is an entry in ClinVar:

NM_032043.3(BRIP1):c.3028C>T (p.Gln1010Ter)

Gene: BRIP1 (BRCA1 interacting DNA helicase 1; minus strand). Cytogenetic location: 17q23.2.
Variant type: single nucleotide variant.
Coding change: c.3028C>T on transcript NM_032043.3 (MANE Select); coding-DNA position 3028, C replaced by T.
Protein change: p.Gln1010Ter; replaces glutamine 1010 with a stop codon.
Molecular consequence: nonsense.
Genome position (GRCh38, 1-based): chr17:61,684,018, G>A on the plus strand (C>T on the coding strand, the complement: BRIP1 is on the minus strand). VCF-style: chr17-61684018-G-A. GRCh37 (hg19) VCF-style: chr17-59761379-G-A.
Other names: short protein forms Q1010*.
Identifiers: ClinVar variation 2027309 (VCV002027309.4), dbSNP rs2144090799, ClinGen allele CA400479961.

ClinVar aggregate classification (germline): Uncertain significance (1 of 4 stars; one submission).

Conditions:
Familial cancer of breast. Also called: BREAST CANCER, FAMILIAL; hereditary breast carcinoma; Hereditary breast cancer. Identifiers: Orphanet 227535, MedGen C0346153, MONDO:0016419, OMIM 114480. Disease mechanism: loss of function.
Fanconi anemia complementation group J. Also called: BRIP1-Related Fanconi Anemia. Identifiers: Orphanet 84, MedGen C1836860, MONDO:0012187, OMIM 609054.

Submission:

Labcorp Genetics (formerly Invitae), Labcorp
Classification: Uncertain significance for Familial cancer of breast; Fanconi anemia complementation group J. Last evaluated: 2025-07-15. Review status: criteria provided, single submitter. Criteria: Invitae Variant Classification Sherloc (09022015). Collection method: clinical testing. Allele origin: germline.
Comment: This sequence change creates a premature translational stop signal (p.Gln1010*) in the BRIP1 gene. While this is not anticipated to result in nonsense mediated decay, it is expected to disrupt the last 240 amino acid(s) of the BRIP1 protein. This variant is not present in population databases (gnomAD no frequency). This variant has not been reported in the literature in individuals affected with BRIP1-related conditions. ClinVar contains an entry for this variant (Variation ID: 2027309). In summary, the available evidence is currently insufficient to determine the role of this variant in disease. Therefore, it has been classified as a Variant of Uncertain Significance.